The following is an entry in ClinVar:

ClinVar aggregate classification (germline): Conflicting classifications of pathogenicity. Review status: criteria provided, conflicting classifications (1 of 4 stars). 3 submissions from 3 submitters: Uncertain significance (1); Likely benign (2). Last evaluated 2025-12-29.

Conditions:
Hereditary cancer-predisposing syndrome. Also called: Tumor predisposition; Neoplastic Syndromes, Hereditary; Hereditary Cancer Syndrome; Hereditary neoplastic syndrome. Identifiers: Orphanet 140162, MedGen C0027672, MeSH D009386, MONDO:0015356.
Cardiovascular phenotype. Identifiers: MedGen CN230736.

Allele frequency attached by ClinVar (database versions not stated): gnomAD 0.00001; gnomAD exomes 0.00001 and 0.00002; ExAC 0.00004; 1000 Genomes Project 30x 0.00016; 1000 Genomes Project 0.00020.
gnomAD v4.1: 12 of 1,614,028 alleles (0.00074%); highest among the groups gnomAD compares: East Asian, 0.027%; no homozygotes.

Submissions (3):

Labcorp Genetics (formerly Invitae), Labcorp
Classification: Likely benign. Last evaluated: 2025-12-29. Review status: criteria provided, single submitter. Criteria: Invitae Variant Classification Sherloc (09022015). Collection method: clinical testing. Allele origin: germline.

GeneDx
Classification: Uncertain significance. Last evaluated: 2023-07-13. Review status: criteria provided, single submitter. Criteria: GeneDx Variant Classification Process June 2021. Collection method: clinical testing. Allele origin: germline. Affected: yes.
Comment: Not observed at significant frequency in large population cohorts (gnomAD); In silico analysis supports that this variant does not alter splicing; Has not been previously published as pathogenic or benign to our knowledge

Ambry Genetics
Classification: Likely benign for Cardiovascular phenotype; Hereditary cancer-predisposing syndrome. Last evaluated: 2021-11-17. Review status: criteria provided, single submitter. Criteria: Ambry Variant Classification Scheme 2023. Collection method: clinical testing. Allele origin: germline.

NM_006767.4(LZTR1):c.1048C>T (p.Leu350=)

Gene: LZTR1 (leucine zipper like post translational regulator 1; plus strand). Cytogenetic location: 22q11.21.
Variant type: single nucleotide variant.
Coding change: c.1048C>T on transcript NM_006767.4 (MANE Select); coding-DNA position 1048, C replaced by T.
Protein change: p.Leu350=; no amino-acid change (leucine 350 retained).
Molecular consequence: synonymous variant.
Genome position (GRCh38, 1-based): chr22:20,992,268, C>T. VCF-style: chr22-20992268-C-T. GRCh37 (hg19) VCF-style: chr22-21346557-C-T.
Identifiers: ClinVar variation 1107928 (VCV001107928.12), dbSNP rs199565862, ClinGen allele CA10118708.